The following is an entry in ClinVar:

ClinVar aggregate classification (germline): Uncertain significance (1 of 4 stars; one submission).

Conditions:
Autosomal recessive limb-girdle muscular dystrophy type R18 (LGMDR18). Also called: Limb-girdle muscular dystrophy, type 2S; MUSCULAR DYSTROPHY, LIMB-GIRDLE, AUTOSOMAL RECESSIVE 18; Autosomal recessive limb-girdle muscular dystrophy type 2S. Identifiers: Orphanet 369840, MedGen C4517996, MONDO:0014144, OMIM 615356.

Allele frequency attached by ClinVar (database versions not stated): gnomAD exomes below 0.00001.
gnomAD v4.1: 2 of 1,614,078 alleles (0.00012%); highest among the groups gnomAD compares: Non-Finnish European, 0.00017%; no homozygotes.

Submission:

Labcorp Genetics (formerly Invitae), Labcorp
Classification: Uncertain significance for Autosomal recessive limb-girdle muscular dystrophy type R18. Last evaluated: 2022-02-03. Review status: criteria provided, single submitter. Criteria: Invitae Variant Classification Sherloc (09022015). Collection method: clinical testing. Allele origin: germline.
Comment: Algorithms developed to predict the effect of missense changes on protein structure and function are either unavailable or do not agree on the potential impact of this missense change (SIFT: "Tolerated"; PolyPhen-2: "Probably Damaging"; Align-GVGD: "Class C15"). This sequence change replaces phenylalanine, which is neutral and non-polar, with cysteine, which is neutral and slightly polar, at codon 348 of the TRAPPC11 protein (p.Phe348Cys). This variant is not present in population databases (gnomAD no frequency). This variant has not been reported in the literature in individuals affected with TRAPPC11-related conditions. ClinVar contains an entry for this variant (Variation ID: 968880). In summary, the available evidence is currently insufficient to determine the role of this variant in disease. Therefore, it has been classified as a Variant of Uncertain Significance.

NM_021942.6(TRAPPC11):c.1043T>G (p.Phe348Cys)

Gene: TRAPPC11 (trafficking protein particle complex subunit 11; plus strand). Cytogenetic location: 4q35.1.
Variant type: single nucleotide variant.
Coding change: c.1043T>G on transcript NM_021942.6 (MANE Select); coding-DNA position 1043, T replaced by G.
Protein change: p.Phe348Cys; replaces phenylalanine 348 with cysteine.
Molecular consequence: missense variant.
Genome position (GRCh38, 1-based): chr4:183,680,197, T>G. VCF-style: chr4-183680197-T-G. GRCh37 (hg19) VCF-style: chr4-184601350-T-G.
Other names: c.1043T>G, p.Phe348Cys (NM_199053.3); short protein forms F348C.
Identifiers: ClinVar variation 968880 (VCV000968880.9), dbSNP rs1735605499, ClinGen allele CA358863362.